The following is an entry in ClinVar:

NM_007194.4(CHEK2):c.1384del (p.Val463fs)

Gene: CHEK2 (checkpoint kinase 2; minus strand). Cytogenetic location: 22q12.1.
Variant type: Deletion.
Coding change: c.1384del on transcript NM_007194.4 (MANE Select); coding-DNA position 1384, one base deleted (C; older notation c.1384delC).
Protein change: p.Val463fs; shifts the reading frame from valine 463.
Molecular consequence: frameshift variant.
Genome position (GRCh38, 1-based): chr22:28,694,109, G deleted on the plus strand (C on the coding strand, the reverse complement: CHEK2 is on the minus strand); the first of 2 consecutive G bases (chr22:28,694,109-28,694,110); deleting either gives the same sequence. VCF-style (leftmost placement, unchanged base first): chr22-28694108-AG-A. GRCh37 (hg19) VCF-style: chr22-29090096-AG-A.
Other names: c.1512delC, p.Val506Serfs (NM_001005735.3); c.720delC, p.Val242Serfs (NM_001257387.3); c.1182delC, p.Val396Serfs (NM_001349956.3); c.1296delC, p.Val434Serfs (NM_145862.3); short protein forms V242fs, V396fs, V434fs, V463fs, V506fs.
Identifiers: ClinVar variation 3644737 (VCV003644737.2).
Genomic context (GRCh38, chr22:28,694,108, plus strand): 5'-CTTAAGGCTTCTTCTGTCGTAAAACGTGCCTTTGGATCCACTACCAACAACTTCTTGACA[AG>A]GTCCAGAGCTAAAGCAACAATTGGGCAAATCACAGTGAAAAGGATAAATATATTATCAGT-3'

ClinVar aggregate classification (germline): Pathogenic (1 of 4 stars; one submission).

Conditions:
Familial cancer of breast. Also called: hereditary breast carcinoma; BREAST CANCER, FAMILIAL; Hereditary breast cancer. Identifiers: Orphanet 227535, MedGen C0346153, MONDO:0016419, OMIM 114480. Disease mechanism: loss of function.

Submission:

Labcorp Genetics (formerly Invitae), Labcorp
Classification: Pathogenic for Familial cancer of breast. Last evaluated: 2024-03-06. Review status: criteria provided, single submitter. Criteria: Invitae Variant Classification Sherloc (09022015). Collection method: clinical testing. Allele origin: germline.
Comment: This sequence change creates a premature translational stop signal (p.Val463Serfs*6) in the CHEK2 gene. It is expected to result in an absent or disrupted protein product. Loss-of-function variants in CHEK2 are known to be pathogenic (PMID: 21876083, 24713400). This variant is not present in population databases (gnomAD no frequency). This variant has not been reported in the literature in individuals affected with CHEK2-related conditions. For these reasons, this variant has been classified as Pathogenic.

Literature cited by the submitters: PubMed 21876083; PubMed 24713400.